The following is an entry in ClinVar:

NM_018082.6(POLR3B):c.614+3A>T

Gene: POLR3B (RNA polymerase III subunit B; plus strand). Cytogenetic location: 12q23.3.
Variant type: single nucleotide variant.
Coding change: c.614+3A>T on transcript NM_018082.6 (MANE Select); 3 bases into the intron after coding-DNA position 614, A replaced by T.
Molecular consequence: intron variant.
Genome position (GRCh38, 1-based): chr12:106,378,387, A>T. VCF-style: chr12-106378387-A-T. GRCh37 (hg19) VCF-style: chr12-106772165-A-T.
Other names: c.440+3A>T (NM_001160708.2).
Identifiers: ClinVar variation 1525898 (VCV001525898.6), dbSNP rs1269102655, ClinGen allele CA607226310.

ClinVar aggregate classification (germline): Uncertain significance (1 of 4 stars; one submission).

Allele frequency attached by ClinVar (database versions not stated): gnomAD 0.00001.
gnomAD v4.1: 4 of 1,573,392 alleles (0.00025%); highest among the groups gnomAD compares: East Asian, 0.0067%; no homozygotes.

Submission:

Labcorp Genetics (formerly Invitae), Labcorp
Classification: Uncertain significance. Last evaluated: 2024-11-01. Review status: criteria provided, single submitter. Criteria: Invitae Variant Classification Sherloc (09022015). Collection method: clinical testing. Allele origin: germline.
Comment: This sequence change falls in intron 8 of the POLR3B gene. It does not directly change the encoded amino acid sequence of the POLR3B protein. It affects a nucleotide within the consensus splice site. The frequency data for this variant in the population databases is considered unreliable, as metrics indicate poor data quality at this position in the gnomAD database. This variant has not been reported in the literature in individuals affected with POLR3B-related conditions. ClinVar contains an entry for this variant (Variation ID: 1525898). Variants that disrupt the consensus splice site are a relatively common cause of aberrant splicing (PMID: 17576681, 9536098). Algorithms developed to predict the effect of sequence changes on RNA splicing suggest that this variant may disrupt the consensus splice site. In summary, the available evidence is currently insufficient to determine the role of this variant in disease. Therefore, it has been classified as a Variant of Uncertain Significance.

Literature cited by the submitters: PubMed 17576681; PubMed 9536098.